The following is an entry in ClinVar:

NM_014516.4(CNOT3):c.1502C>T (p.Pro501Leu)

Gene: CNOT3 (CCR4-NOT transcription complex subunit 3; plus strand). Cytogenetic location: 19q13.42.
Variant type: single nucleotide variant.
Coding change: c.1502C>T on transcript NM_014516.4 (MANE Select); coding-DNA position 1502, C replaced by T.
Protein change: p.Pro501Leu; replaces proline 501 with leucine.
Molecular consequence: missense variant.
Genome position (GRCh38, 1-based): chr19:54,149,655, C>T. VCF-style: chr19-54149655-C-T. GRCh37 (hg19) VCF-style: chr19-54653390-C-T.
Other names: short protein forms P501L.
Identifiers: ClinVar variation 3731378 (VCV003731378.1).

ClinVar aggregate classification (germline): Uncertain significance (1 of 4 stars; one submission).

Conditions:
Intellectual developmental disorder with speech delay, autism, and dysmorphic facies. Identifiers: MedGen C5231456, MONDO:0032864, OMIM 618672.

Submission:

Neuberg Centre For Genomic Medicine, NCGM
Classification: Uncertain significance for Intellectual developmental disorder with speech delay, autism, and dysmorphic facies. Review status: criteria provided, single submitter. Criteria: ACMG Guidelines, 2015. Collection method: clinical testing. Allele origin: germline. Inheritance: Autosomal dominant inheritance. Affected: yes.
Comment: The missense c.1502C>T (p.Pro501Leu) variant in CNOT3 gene has not been reported previously as a pathogenic variant nor as a benign variant, to our knowledge. The p.Pro501Leu variant is absent in gnomAD Exomes. This variant has not been submitted to the ClinVar database. Multiple lines of computational evidence (Polyphen - Benign, SIFT - Damaging and MutationTaster - Disease causing) predict conflicting evidence on protein structure and function for this variant. The reference amino acid at this position on CNOT3 gene is predicted as conserved by GERP++ and PhyloP across 100 vertebrates. The amino acid Pro at position 501 is changed to a Leu changing protein sequence and it might alter its composition and physico-chemical properties. For these reasons, this variant has been classified as Variant of Uncertain Significance (VUS).